The following is an entry in ClinVar:

NM_000277.3(PAH):c.1068C>T (p.Tyr356=)

Gene: PAH (phenylalanine hydroxylase; minus strand). Cytogenetic location: 12q23.2.
Variant type: single nucleotide variant.
Coding change: c.1068C>T on transcript NM_000277.3 (MANE Select); coding-DNA position 1068, C replaced by T.
Protein change: p.Tyr356=; no amino-acid change (tyrosine 356 retained).
Molecular consequence: synonymous variant.
Genome position (GRCh38, 1-based): chr12:102,843,777, G>A on the plus strand (C>T on the coding strand, the complement: PAH is on the minus strand). VCF-style: chr12-102843777-G-A. GRCh37 (hg19) VCF-style: chr12-103237555-G-A.
Other names: c.1068C>T, p.Tyr356= (NM_001354304.2).
Identifiers: ClinVar variation 3233932 (VCV003233932.2), dbSNP rs62516095, ClinGen allele CA386493362.

ClinVar aggregate classification (germline): Uncertain significance (1 of 4 stars; one submission).

gnomAD v4.1: 2 of 1,613,506 alleles (0.00012%); highest among the groups gnomAD compares: African/African-American, 0.0027%; no homozygotes.

Submission:

Women's Health and Genetics/Laboratory Corporation of America, LabCorp
Classification: Uncertain significance. Last evaluated: 2024-03-15. Review status: criteria provided, single submitter. Criteria: LabCorp Variant Classification Summary - May 2015. Collection method: clinical testing. Allele origin: germline.
Comment: Variant summary: PAH c.1068C>T (p.Tyr356Tyr) alters a conserved nucleotide located close to a canonical splice site and therefore could affect mRNA splicing, leading to a significantly altered protein sequence. Consensus agreement among computation tools predict no significant impact on normal splicing. However, these predictions have yet to be confirmed by functional studies. The variant was absent in 251004 control chromosomes (gnomAD). The available data on variant occurrences in the general population are insufficient to allow any conclusion about variant significance. To our knowledge, no occurrence of c.1068C>T in individuals affected with Phenylalanine Hydroxylase Deficiency (Phenylketonuria) and no experimental evidence demonstrating its impact on protein function have been reported. No submitters have cited clinical-significance assessments for this variant to ClinVar. Based on the evidence outlined above, the variant was classified as uncertain significance.